The following is an entry in ClinVar:

NM_001378452.1(ITPR1):c.7433A>C (p.Glu2478Ala)

Gene: ITPR1 (inositol 1,4,5-trisphosphate receptor type 1; plus strand). Cytogenetic location: 3p26.1.
Variant type: single nucleotide variant.
Coding change: c.7433A>C on transcript NM_001378452.1 (MANE Select); coding-DNA position 7433, A replaced by C.
Protein change: p.Glu2478Ala; replaces glutamic acid 2478 with alanine.
Molecular consequence: missense variant.
Genome position (GRCh38, 1-based): chr3:4,811,425, A>C. VCF-style: chr3-4811425-A-C. GRCh37 (hg19) VCF-style: chr3-4853109-A-C.
Other names: c.7244A>C (NM_002222.5); c.7289A>C, p.Glu2430Ala (NM_001099952.4); c.7388A>C, p.Glu2463Ala (NM_001168272.2); c.7244A>C, p.Glu2415Ala (NM_002222.7); short protein forms E2415A, E2463A, E2478A, E2430A.
Identifiers: ClinVar variation 3000544 (VCV003000544.4), dbSNP rs780511071, ClinGen allele CA2232833.
Genomic context (GRCh38, chr3:4,811,425, plus strand): 5'-TCCTCGTTTACCTGTTCTCAATAGTGGGCTATCTTTTCTTCAAGGATGACTTTATCTTGG[A>C]AGTAGATAGGCTGCCCAATGAAACAGCTGTTCCAGGTGGGTTTGGGATCTTCTGATCTTT-3'
Protein context (NP_001365381.1, residues 2468-2488): YLFFKDDFIL[Glu2478Ala]VDRLPNETAV

ClinVar aggregate classification (germline): Uncertain significance. Review status: criteria provided, multiple submitters, no conflicts (2 of 4 stars). 2 submissions from 2 submitters: Uncertain significance (2). Last evaluated 2024-07-29.

Conditions:
Inborn genetic diseases. Identifiers: MedGen C0950123, MeSH D030342.

Allele frequency attached by ClinVar (database versions not stated): ExAC 0.00001; gnomAD exomes 0.00002.
gnomAD v4.1: 32 of 1,613,966 alleles (0.002%); highest among the groups gnomAD compares: Non-Finnish European, 0.0025%; no homozygotes.

Submissions (2):

Labcorp Genetics (formerly Invitae), Labcorp
Classification: Uncertain significance. Last evaluated: 2024-07-29. Review status: criteria provided, single submitter. Criteria: Invitae Variant Classification Sherloc (09022015). Collection method: clinical testing. Allele origin: germline.
Comment: This sequence change replaces glutamic acid, which is acidic and polar, with alanine, which is neutral and non-polar, at codon 2415 of the ITPR1 protein (p.Glu2415Ala). This variant is present in population databases (rs780511071, gnomAD 0.002%). This variant has not been reported in the literature in individuals affected with ITPR1-related conditions. Advanced modeling of protein sequence and biophysical properties (such as structural, functional, and spatial information, amino acid conservation, physicochemical variation, residue mobility, and thermodynamic stability) has been performed at Invitae for this missense variant, however the output from this modeling did not meet the statistical confidence thresholds required to predict the impact of this variant on ITPR1 protein function. In summary, the available evidence is currently insufficient to determine the role of this variant in disease. Therefore, it has been classified as a Variant of Uncertain Significance.

Ambry Genetics
Classification: Uncertain significance for Inborn genetic diseases. Last evaluated: 2024-03-25. Review status: criteria provided, single submitter. Criteria: Ambry Variant Classification Scheme 2023. Collection method: clinical testing. Allele origin: germline.